The following is an entry in ClinVar:

NM_000179.3(MSH6):c.2636C>A (p.Ala879Asp)

Gene: MSH6 (mutS homolog 6; plus strand). Cytogenetic location: 2p16.3.
Variant type: single nucleotide variant.
Coding change: c.2636C>A on transcript NM_000179.3 (MANE Select); coding-DNA position 2636, C replaced by A.
Protein change: p.Ala879Asp; replaces alanine 879 with aspartic acid.
Molecular consequence: missense variant.
Genome position (GRCh38, 1-based): chr2:47,800,619, C>A. VCF-style: chr2-47800619-C-A. GRCh37 (hg19) VCF-style: chr2-48027758-C-A.
Other names: c.2246C>A, p.Ala749Asp (NM_001281492.2); c.1730C>A, p.Ala577Asp (NM_001281493.2, NM_001281494.2); short protein forms A879D, A749D, A577D.
Identifiers: ClinVar variation 619577 (VCV000619577.3), dbSNP rs1558666061, ClinGen allele CA346755094.

ClinVar aggregate classification (germline): Uncertain significance (1 of 4 stars; one submission).

Conditions:
Lynch syndrome. Identifiers: Orphanet 144, MedGen C4552100, MONDO:0005835. Disease mechanism: loss of function.

Submission:

University of Washington Department of Laboratory Medicine, University of Washington
Classification: Uncertain significance for Lynch syndrome. Last evaluated: 2018-05-01. Review status: criteria provided, single submitter. Criteria: Shirts BH et al. (Am J Hum Genet 2018). Collection method: clinical testing. Allele origin: somatic. Affected: yes.
Comment: MSH6 NM_000179.2:c.2636C>A has a 8.4% probability of pathogenicity based on combining prior probability from public data with a likelihood ratio of 1.56 to 1, generated from evidence of seeing this as a somatic mutation in a tumor without loss of heterozygosity at the MSH6 locus. See Shirts et al 2018, PMID 29887214.